The following is an entry in ClinVar:

NM_006514.4(SCN10A):c.3766C>T (p.Arg1256Trp)

Gene: SCN10A (sodium voltage-gated channel alpha subunit 10; minus strand). Cytogenetic location: 3p22.2.
Variant type: single nucleotide variant.
Coding change: c.3766C>T on transcript NM_006514.4 (MANE Select); coding-DNA position 3766, C replaced by T.
Protein change: p.Arg1256Trp; replaces arginine 1256 with tryptophan.
Molecular consequence: missense variant.
Genome position (GRCh38, 1-based): chr3:38,713,996, G>A on the plus strand (C>T on the coding strand, the complement: SCN10A is on the minus strand). VCF-style: chr3-38713996-G-A. GRCh37 (hg19) VCF-style: chr3-38755487-G-A.
Other names: c.3763C>T, p.Arg1255Trp (NM_001293306.2); c.3472C>T, p.Arg1158Trp (NM_001293307.2); short protein forms R1256W, R1255W, R1158W.
Identifiers: ClinVar variation 532125 (VCV000532125.8), dbSNP rs747044382, ClinGen allele CA2320126.

ClinVar aggregate classification (germline): Uncertain significance. Review status: criteria provided, multiple submitters, no conflicts (2 of 4 stars). 3 submissions from 3 submitters: Uncertain significance (3). Last evaluated 2025-12-26.

Conditions:
Cardiovascular phenotype. Identifiers: MedGen CN230736.
Brugada syndrome. Also called: Sudden Unexplained Death Syndrome; Sudden Unexplained Nocturnal Death Syndrome (SUNDS); Sudden unexplained nocturnal death syndrome; Sudden unexpected nocturnal death syndrome. Identifiers: Orphanet 130, MedGen C1142166, MONDO:0015263.

Allele frequency attached by ClinVar (database versions not stated): ExAC 0.00002; gnomAD exomes 0.00002; TOPMed 0.00002.
gnomAD v4.1: 16 of 1,613,854 alleles (0.00099%); highest among the groups gnomAD compares: South Asian, 0.0011%; no homozygotes.

Submissions (3):

Labcorp Genetics (formerly Invitae), Labcorp
Classification: Uncertain significance for Brugada syndrome. Last evaluated: 2025-12-26. Review status: criteria provided, single submitter. Criteria: Invitae Variant Classification Sherloc (09022015). Collection method: clinical testing. Allele origin: germline.
Comment: This sequence change replaces arginine, which is basic and polar, with tryptophan, which is neutral and slightly polar, at codon 1256 of the SCN10A protein (p.Arg1256Trp). This variant is present in population databases (rs747044382, gnomAD 0.01%). This variant has not been reported in the literature in individuals affected with SCN10A-related conditions. ClinVar contains an entry for this variant (Variation ID: 532125). Invitae Evidence Modeling of protein sequence and biophysical properties (such as structural, functional, and spatial information, amino acid conservation, physicochemical variation, residue mobility, and thermodynamic stability) indicates that this missense variant is expected to disrupt SCN10A protein function with a positive predictive value of 80%. In summary, the available evidence is currently insufficient to determine the role of this variant in disease. Therefore, it has been classified as a Variant of Uncertain Significance.

Ambry Genetics
Classification: Uncertain significance for Cardiovascular phenotype. Last evaluated: 2023-09-18. Review status: criteria provided, single submitter. Criteria: Ambry Variant Classification Scheme 2023. Collection method: clinical testing. Allele origin: germline.
Comment: The p.R1256W variant (also known as c.3766C>T), located in coding exon 21 of the SCN10A gene, results from a C to T substitution at nucleotide position 3766. The arginine at codon 1256 is replaced by tryptophan, an amino acid with dissimilar properties. This variant was detected in an individual with small fiber neuropathy; however, clinical details were limited (Eijkenboom I et al. J Neurol Neurosurg Psychiatry, 2019 03;90:342-352). This amino acid position is highly conserved in available vertebrate species. In addition, this alteration is predicted to be deleterious by in silico analysis. The evidence for this gene-disease relationship is limited; therefore, the clinical significance of this alteration is unclear.

Breakthrough Genomics
Classification: Uncertain significance. Review status: criteria provided, single submitter. Criteria: ACMG Guidelines, 2015. Collection method: not provided. Allele origin: germline. Inheritance: Autosomal dominant inheritance. Affected: yes.

Literature cited by the submitters: PubMed 30554136 (cited by Ambry Genetics).